The following is an entry in ClinVar:

NM_001105206.3(LAMA4):c.4135G>A (p.Val1379Met)

Gene: LAMA4 (laminin subunit alpha 4; minus strand). Cytogenetic location: 6q21.
Variant type: single nucleotide variant.
Coding change: c.4135G>A on transcript NM_001105206.3 (MANE Select); coding-DNA position 4135, G replaced by A.
Protein change: p.Val1379Met; replaces valine 1379 with methionine.
Molecular consequence: missense variant.
Genome position (GRCh38, 1-based): chr6:112,129,074, C>T on the plus strand (G>A on the coding strand, the complement: LAMA4 is on the minus strand). VCF-style: chr6-112129074-C-T. GRCh37 (hg19) VCF-style: chr6-112450276-C-T.
Other names: c.4114G>A, p.Val1372Met (NM_001105207.3, NM_002290.5); c.4114G>A (NM_002290.3); short protein forms V1379M, V1372M.
Identifiers: ClinVar variation 1035819 (VCV001035819.10), dbSNP rs782165947, ClinGen allele CA3965046.

ClinVar aggregate classification (germline): Conflicting classifications of pathogenicity. Review status: criteria provided, conflicting classifications (1 of 4 stars). 2 submissions from 2 submitters: Uncertain significance (1); Likely benign (1). Last evaluated 2025-11-27.

Conditions:
Cardiovascular phenotype. Identifiers: MedGen CN230736.
Dilated cardiomyopathy 1JJ (CMD1JJ). Identifiers: Orphanet 154, MedGen C3808935, MONDO:0014095, OMIM 615235.

Allele frequency attached by ClinVar (database versions not stated): gnomAD 0.00001 and 0.00002; gnomAD exomes 0.00001 and 0.00004; TOPMed 0.00002; ExAC 0.00003.
gnomAD v4.1: 25 of 1,610,284 alleles (0.0016%); highest among the groups gnomAD compares: East Asian, 0.013%; no homozygotes.

Submissions (2):

Labcorp Genetics (formerly Invitae), Labcorp
Classification: Uncertain significance for Dilated cardiomyopathy 1JJ. Last evaluated: 2025-11-27. Review status: criteria provided, single submitter. Criteria: Invitae Variant Classification Sherloc (09022015). Collection method: clinical testing. Allele origin: germline.
Comment: This sequence change replaces valine, which is neutral and non-polar, with methionine, which is neutral and non-polar, at codon 1372 of the LAMA4 protein (p.Val1372Met). This variant is present in population databases (rs782165947, gnomAD 0.02%). This variant has not been reported in the literature in individuals affected with LAMA4-related conditions. ClinVar contains an entry for this variant (Variation ID: 1035819). An algorithm developed to predict the effect of missense changes on protein structure and function (PolyPhen-2) suggests that this variant is likely to be tolerated. In summary, the available evidence is currently insufficient to determine the role of this variant in disease. Therefore, it has been classified as a Variant of Uncertain Significance.

Ambry Genetics
Classification: Likely benign for Cardiovascular phenotype. Last evaluated: 2024-08-28. Review status: criteria provided, single submitter. Criteria: Ambry Variant Classification Scheme 2023. Collection method: clinical testing. Allele origin: germline.